The following is an entry in ClinVar:

NM_004656.4(BAP1):c.2112C>T (p.Val704=)

Gene: BAP1 (BRCA1 associated deubiquitinase 1; minus strand). Cytogenetic location: 3p21.1.
Variant type: single nucleotide variant.
Coding change: c.2112C>T on transcript NM_004656.4 (MANE Select); coding-DNA position 2112, C replaced by T.
Protein change: p.Val704=; no amino-acid change (valine 704 retained).
Molecular consequence: synonymous variant.
Genome position (GRCh38, 1-based): chr3:52,402,366, G>A on the plus strand (C>T on the coding strand, the complement: BAP1 is on the minus strand). VCF-style: chr3-52402366-G-A. GRCh37 (hg19) VCF-style: chr3-52436382-G-A.
Other names: c.2058C>T, p.Val686= (NM_001410772.1); c.2112C>T (NM_004656.3).
Identifiers: ClinVar variation 2626735 (VCV002626735.3), dbSNP rs1276510932, ClinGen allele CA433885957.

ClinVar aggregate classification (germline): Conflicting classifications of pathogenicity. Review status: criteria provided, conflicting classifications (1 of 4 stars). 2 submissions from 2 submitters: Uncertain significance (1); Likely benign (1). Last evaluated 2024-07-12.

Conditions:
Hereditary cancer-predisposing syndrome. Also called: Tumor predisposition; Hereditary Cancer Syndrome; Hereditary neoplastic syndrome; Neoplastic Syndromes, Hereditary. Identifiers: Orphanet 140162, MedGen C0027672, MeSH D009386, MONDO:0015356.

Submissions (2):

GeneDx
Classification: Uncertain significance. Last evaluated: 2024-07-12. Review status: criteria provided, single submitter. Criteria: GeneDx Variant Classification Process June 2021. Collection method: clinical testing. Allele origin: germline. Affected: yes.
Comment: Not observed at significant frequency in large population cohorts (gnomAD); In silico analysis indicates that this variant does not alter splicing; Has not been previously published as pathogenic or benign to our knowledge

Ambry Genetics
Classification: Likely benign for Hereditary cancer-predisposing syndrome. Last evaluated: 2023-07-01. Review status: criteria provided, single submitter. Criteria: Ambry Variant Classification Scheme 2023. Collection method: clinical testing. Allele origin: germline.